The following is an entry in ClinVar:

ClinVar aggregate classification (germline): Pathogenic/Likely pathogenic. Review status: criteria provided, multiple submitters, no conflicts (2 of 4 stars). 5 submissions from 5 submitters: Pathogenic (1); Likely pathogenic (4). Last evaluated 2025-12-03.

Conditions:
Retinitis pigmentosa 61 (RP61). Identifiers: Orphanet 791, MedGen C3280041, MONDO:0013610, OMIM 614180.
Usher syndrome type 3A (USH3A). Also called: USHER SYNDROME, TYPE IIIA. Identifiers: MedGen C5779850, MONDO:0010170, OMIM 276902.
Usher syndrome type 3. Also called: Usher Syndrome, Type III. Identifiers: Orphanet 231183, MedGen C1568248, MONDO:0016485.
Usher syndrome. Also called: Usher Syndromes; Usher's syndrome. Identifiers: Orphanet 886, MedGen CN469326, MeSH D052245, MONDO:0019501. Disease mechanism: loss of function.

Allele frequency attached by ClinVar (database versions not stated): gnomAD 0.00001.
gnomAD v4.1: 8 of 1,614,078 alleles (0.0005%); highest among the groups gnomAD compares: African/African-American, 0.0013%; no homozygotes.

Submissions (5):

Natera, Inc.
Classification: Likely pathogenic for Usher syndrome type 3. Last evaluated: 2025-12-03. Review status: criteria provided, single submitter. Criteria: Natera Variant Classification Schema (03/2026). Collection method: clinical testing. Allele origin: germline.
Comment: The c.190G>A variant in CLRN1 is a missense variant predicted to cause substitution of glycine to arginine at amino acid 64. This variant is rare in the general population with a frequency below the threshold expected for the associated phenotype(s). This variant has been observed in one or more individuals affected with the associated recessive disease, as either homozygous or compound heterozygous with a second variant (PMID: 26338283, 25472526). This variant has been identified in one or more affected individual with a phenotype highly consistent with the associated gene (PMID: 26338283). Computational prediction algorithms indicate this variant is likely to affect gene or protein function. Given the available evidence, this variant is classified as Likely Pathogenic.

Fulgent Genetics
Classification: Likely pathogenic for Usher syndrome type 3A; Retinitis pigmentosa 61. Last evaluated: 2024-06-10. Review status: criteria provided, single submitter. Criteria: ACMG Guidelines, 2015. Collection method: clinical testing. Allele origin: germline.

Baylor Genetics
Classification: Likely pathogenic for Retinitis pigmentosa 61. Last evaluated: 2024-03-19. Review status: criteria provided, single submitter. Criteria: ACMG Guidelines, 2015. Collection method: clinical testing. Allele origin: unknown.

Labcorp Genetics (formerly Invitae), Labcorp
Classification: Pathogenic. Last evaluated: 2023-03-02. Review status: criteria provided, single submitter. Criteria: Invitae Variant Classification Sherloc (09022015). Collection method: clinical testing. Allele origin: germline.
Comment: For these reasons, this variant has been classified as Pathogenic. An algorithm developed to predict the effect of missense changes on protein structure and function (PolyPhen-2) suggests that this variant is likely to be disruptive. ClinVar contains an entry for this variant (Variation ID: 1331448). This missense change has been observed in individual(s) with Usher syndrome (PMID: 25472526, 26338283). In at least one individual the data is consistent with being in trans (on the opposite chromosome) from a pathogenic variant. This variant is not present in population databases (gnomAD no frequency). This sequence change replaces glycine, which is neutral and non-polar, with arginine, which is basic and polar, at codon 64 of the CLRN1 protein (p.Gly64Arg).

Women's Health and Genetics/Laboratory Corporation of America, LabCorp
Classification: Likely pathogenic for Usher syndrome. Last evaluated: 2021-12-17. Review status: criteria provided, single submitter. Criteria: LabCorp Variant Classification Summary - May 2015. Collection method: clinical testing. Allele origin: germline.
Comment: Variant summary: CLRN1 c.190G>A (p.Gly64Arg) results in a non-conservative amino acid change in the encoded protein sequence. Five of five in-silico tools predict a damaging effect of the variant on protein function. The variant was absent in 251472 control chromosomes (gnomAD). c.190G>A has been reported in the literature in a compound heterozygous individual and a homozygous individual affected with Usher Syndrome (Jiang_2015, Zhao_2015). These data indicate that the variant is likely to be associated with disease. To our knowledge, no experimental evidence demonstrating an impact on protein function has been reported. No clinical diagnostic laboratories have submitted clinical-significance assessments for this variant to ClinVar after 2014. Based on the evidence outlined above, the variant was classified as likely pathogenic.

Literature cited by the submitters: PubMed 26338283 (cited by 3 submitters); PubMed 25472526 (cited by 3 submitters).

NM_174878.3(CLRN1):c.190G>A (p.Gly64Arg)

Gene: CLRN1 (clarin 1; minus strand). Cytogenetic location: 3q25.1.
Variant type: single nucleotide variant.
Coding change: c.190G>A on transcript NM_174878.3 (MANE Select); coding-DNA position 190, G replaced by A.
Protein change: p.Gly64Arg; replaces glycine 64 with arginine.
Molecular consequence: missense variant. On other transcripts: non-coding transcript variant (1).
Genome position (GRCh38, 1-based): chr3:150,972,519, C>T on the plus strand (G>A on the coding strand, the complement: CLRN1 is on the minus strand). VCF-style: chr3-150972519-C-T. GRCh37 (hg19) VCF-style: chr3-150690306-C-T.
Other names: c.190G>A, p.Gly64Arg (NM_001195794.1, NM_001256819.2); short protein forms G64R.
Identifiers: ClinVar variation 1331448 (VCV001331448.10), dbSNP rs1380661508, ClinGen allele CA355011864.